The following is an entry in ClinVar:

ClinVar aggregate classification (germline): Uncertain significance. Review status: criteria provided, multiple submitters, no conflicts (2 of 4 stars). 2 submissions from 2 submitters: Uncertain significance (2). Last evaluated 2023-12-30.

Conditions:
Inborn genetic diseases. Identifiers: MedGen C0950123, MeSH D030342.

Allele frequency attached by ClinVar (database versions not stated): TOPMed below 0.00001; ExAC 0.00001; gnomAD 0.00001.
gnomAD v4.1: 6 of 1,611,764 alleles (0.00037%); highest among the groups gnomAD compares: Non-Finnish European, 0.00051%; no homozygotes.

Submissions (2):

GeneDx
Classification: Uncertain significance. Last evaluated: 2023-12-30. Review status: criteria provided, single submitter. Criteria: GeneDx Variant Classification Process June 2021. Collection method: clinical testing. Allele origin: germline. Affected: yes.
Comment: Not observed at significant frequency in large population cohorts (gnomAD); In silico analysis supports that this missense variant does not alter protein structure/function; Has not been previously published as pathogenic or benign to our knowledge

Ambry Genetics
Classification: Uncertain significance for Inborn genetic diseases. Last evaluated: 2023-06-21. Review status: criteria provided, single submitter. Criteria: Ambry Variant Classification Scheme 2023. Collection method: clinical testing. Allele origin: germline.

NM_001365999.1(SZT2):c.9653T>C (p.Leu3218Pro)

Genes: SZT2 (SZT2 subunit of KICSTOR complex; plus strand), SZT2-AS1 (SZT2 antisense RNA 1; minus strand). Cytogenetic location: 1p34.2.
Variant type: single nucleotide variant.
Coding change: c.9653T>C on transcript NM_001365999.1 (MANE Select); coding-DNA position 9653, T replaced by C.
Protein change: p.Leu3218Pro; replaces leucine 3218 with proline.
Molecular consequence: missense variant. On other transcripts: non-coding transcript variant (1).
Genome position (GRCh38, 1-based): chr1:43,448,168, T>C. VCF-style: chr1-43448168-T-C. GRCh37 (hg19) VCF-style: chr1-43913839-T-C.
Other names: c.9482T>C, p.Leu3161Pro (NM_015284.4); c.1094T>C, p.Leu365Pro (NM_024547.1); short protein forms L3161P, L3218P, L365P.
Identifiers: ClinVar variation 2604631 (VCV002604631.3), dbSNP rs758828742, ClinGen allele CA810989.